The following is an entry in ClinVar:

NM_001323289.2(CDKL5):c.2194G>A (p.Val732Met)

Gene: CDKL5 (cyclin dependent kinase like 5; plus strand). Cytogenetic location: Xp22.13.
Variant type: single nucleotide variant.
Coding change: c.2194G>A on transcript NM_001323289.2 (MANE Select); coding-DNA position 2194, G replaced by A.
Protein change: p.Val732Met; replaces valine 732 with methionine.
Molecular consequence: missense variant.
Genome position (GRCh38, 1-based): chrX:18,613,193, G>A. VCF-style: chrX-18613193-G-A. GRCh37 (hg19) VCF-style: chrX-18631313-G-A.
Other names: NM_001323289.2(CDKL5):c.2194G>A; p.Val732Met; c.2194G>A, p.Val732Met (NM_001037343.2, NM_003159.3); c.2194G>A (NM_003159.2); short protein forms V732M.
Identifiers: ClinVar variation 1648546 (VCV001648546.11), dbSNP rs888325600, ClinGen allele CA326989717.
Genomic context (GRCh38, chrX:18,613,193, plus strand): 5'-TTACTTTTTCTTTATTCAGTGCCATCTCCACGTCCAGACAATTCTTTCCATGAAAATAAT[G>A]TGTCAACTAGAGTTTCTTCTCTACCATCAGAGAGCAGTTCTGGAACCAACCACTCAAAAA-3'
Protein context (NP_001310218.1, residues 722-742): RPDNSFHENN[Val732Met]STRVSSLPSE

ClinVar aggregate classification (germline): Uncertain significance. Review status: reviewed by expert panel (3 of 4 stars). 4 submissions from 4 submitters: Uncertain significance (1). 3 of the submissions do not count toward it. Last evaluated 2025-05-07.

Conditions:
Inborn genetic diseases. Identifiers: MedGen C0950123, MeSH D030342.
CDKL5 disorder. Identifiers: MedGen CN296942, MONDO:0100039.
Angelman syndrome-like. Identifiers: MedGen CN128785.
Developmental and epileptic encephalopathy, 2 (DEE2). Also called: INFANTILE SPASM SYNDROME, X-LINKED 2; CDKL5 deficiency disorder. Identifiers: Orphanet 1934, Orphanet 3451, Orphanet 505652, MedGen C4750718, MONDO:0010396, OMIM 300672.
CDKL5-related disorder.

Allele frequency attached by ClinVar (database versions not stated): gnomAD 0.00001; gnomAD exomes 0.00001; TOPMed 0.00001.
gnomAD v4.1: 14 of 1,185,261 alleles (0.0012%); highest among the groups gnomAD compares: South Asian, 0.0018%; no homozygotes.

Submissions (4):

ClinGen Rett and Angelman-like Disorders Variant Curation Expert Panel
Classification: Uncertain significance for CDKL5 disorder. Last evaluated: 2025-05-07. Review status: reviewed by expert panel. Criteria: ClinGen RettAS ACMG Specifications CDKL5 V4.1.0. Collection method: curation. Allele origin: germline. Inheritance: X-linked inheritance.
Comment: The highest population minor allele frequency of the p.Val732Met variant in CDKL5 in gnomAD v4.1 is 0.00002163 in the "remaining" population (not sufficient to meet BS1 criteria). The computational predictor REVEL gives a 0.276 of p.Val732Met, which is below the threshold of 0.29. The splice site predictor, SpliceAI, indicated that the variant has no impact on splicing. Based on this evidence, p.Val732Met does not predict a damaging effect on CDKL5 function (BP4). The p.Val732Met variant is not currently published and is not present in additional databases (internal and publicly available), therefore, no additional criteria are applicable at this time. In summary, the p.Val732Met variant in CDKL5 is classified as a variant of uncertain significance based on the ACMG/AMP criteria (BP4). (CDKL5 Specifications v.4.1; curation approved on [5/7/2025])

Labcorp Genetics (formerly Invitae), Labcorp
Classification: Likely benign for Developmental and epileptic encephalopathy, 2; Angelman syndrome-like. Last evaluated: 2024-02-17. Review status: criteria provided, single submitter. Criteria: Invitae Variant Classification Sherloc (09022015). Collection method: clinical testing. Allele origin: germline. Not counted in ClinVar's aggregate classification.

Ambry Genetics
Classification: Uncertain significance for Inborn genetic diseases. Last evaluated: 2023-12-21. Review status: criteria provided, single submitter. Criteria: Ambry Variant Classification Scheme 2023. Collection method: clinical testing. Allele origin: germline. Not counted in ClinVar's aggregate classification.

PreventionGenetics, part of Exact Sciences
Classification: Uncertain significance for CDKL5-related condition. Last evaluated: 2023-09-25. Review status: criteria provided, single submitter. Criteria: ACMG Guidelines, 2015. Collection method: clinical testing. Allele origin: germline. Not counted in ClinVar's aggregate classification.
Comment: The CDKL5 c.2194G>A variant is predicted to result in the amino acid substitution p.Val732Met. To our knowledge, this variant has not been reported in the literature. This variant is reported in 0.0012% of alleles in individuals of European (Non-Finnish) descent in gnomAD. At this time, the clinical significance of this variant is uncertain due to the absence of conclusive functional and genetic evidence.